The following is an entry in ClinVar:

ClinVar aggregate classification (germline): Pathogenic. Review status: criteria provided, single submitter (1 of 4 stars). 2 submissions from 1 submitter: Pathogenic (2). Last evaluated 2017-09-15.

Conditions:
Beckwith-Wiedemann syndrome (BWS). Also called: EMG SYNDROME; Exomphalos macroglossia gigantism syndrome. Identifiers: Orphanet 116, MedGen C0004903, MONDO:0007534, OMIM 130650.
Sotos syndrome (SOTOS). Also called: Distinctive facial appearance, overgrowth in childhood, and learning disabilities or delayed development; CEREBRAL GIGANTISM; Sotos' syndrome; CHROMOSOME 5q35 DELETION SYNDROME; SOTOS SYNDROME 1. Identifiers: Orphanet 821, MedGen C0175695, MONDO:0019349, OMIM 117550.

Submissions (2):

Labcorp Genetics (formerly Invitae), Labcorp
Classification: Pathogenic for Beckwith-Wiedemann syndrome. Last evaluated: 2017-09-15. Review status: criteria provided, single submitter. Criteria: Invitae Variant Classification Sherloc (09022015). Collection method: clinical testing. Allele origin: germline.
Comment: This sequence change creates a premature translational stop signal (p.Phe1813Leufs*7) in the NSD1 gene. It is expected to result in an absent or disrupted protein product. This variant is not present in population databases (ExAC no frequency). This variant has not been reported in the literature in individuals with NSD1-related disease. Loss-of-function variants in NSD1 are known to be pathogenic (PMID: 12464997, 14571271, 15942875, 16247291). For these reasons, this variant has been classified as Pathogenic.

Labcorp Genetics (formerly Invitae), Labcorp
Classification: Pathogenic. Last evaluated: 2017-09-05. Review status: criteria provided, single submitter. Criteria: Invitae Variant Classification Sherloc (09022015). Collection method: clinical testing. Allele origin: germline.
Comment: the same text as in the submission from Labcorp Genetics (formerly Invitae), Labcorp above.

Literature cited by the submitters: PubMed 12464997; PubMed 14571271; PubMed 15942875; PubMed 16247291.

NM_022455.5(NSD1):c.5437_5440del (p.Phe1813fs)

Genes: NSD1 (nuclear receptor binding SET domain protein 1; plus strand), LOC126807619 (MED14-independent group 3 enhancer GRCh37_chr5:176696443-176697642; plus strand). Cytogenetic location: 5q35.3.
Variant type: Deletion.
Coding change: c.5437_5440del on transcript NM_022455.5 (MANE Select); coding-DNA positions 5437 to 5440, 4 bases deleted (TTCC; older notation c.5437_5440delTTCC).
Protein change: p.Phe1813fs; shifts the reading frame from phenylalanine 1813.
Molecular consequence: frameshift variant.
Genome position (GRCh38, 1-based): chr5:177,269,735-177,269,738, TTCC deleted; deleting any 4 consecutive bases within chr5:177,269,734-177,269,738 gives the same sequence; the c. name uses the placement nearest the transcript's 3' end. VCF-style (leftmost placement, unchanged base first): chr5-177269733-TCTTC-T. GRCh37 (hg19) VCF-style: chr5-176696734-TCTTC-T.
Other names: c.4564_4567delTTCC, p.Phe1522Leufs (NM_001365684.2, NM_001409308.1, NM_001409309.1 and 1 more transcripts); c.5437_5440delTTCC, p.Phe1813Leufs (NM_001409301.1, NM_001409302.1, NM_001409303.1); c.5017_5020delTTCC, p.Phe1673Leufs (NM_001409304.1); c.4684_4687delTTCC, p.Phe1562Leufs (NM_001409305.1); c.4675_4678delTTCC, p.Phe1559Leufs (NM_001409306.1, NM_001409307.1); short protein forms F1813fs, F1544fs.
Identifiers: ClinVar variation 524706 (VCV000524706.6), dbSNP rs1554202205, ClinGen allele CA658796690.
Genomic context (GRCh38, chr5:177,269,733, plus strand): 5'-GAGAGTTCCCAGTCCTCTTTTTTGGATCTAATGACTATTTGTGGACTCACCAGGCCCGAG[TCTTC>T]CCTTACATGGAGGGTGACGTGAGCAGCAAGGATAAGATGGGCAAAGGAGTGGATGGGACA-3'